The following is an entry in ClinVar:

ClinVar aggregate classification (germline): Uncertain significance (1 of 4 stars; one submission).

Conditions:
Chopra-Amiel-Gordon syndrome (CAGS). Also called: ANKRD17-Related Neurodevelopmental Syndrome. Identifiers: MedGen C5561975, MONDO:0859186, OMIM 619504.

Submission:

3billion
Classification: Uncertain significance for Chopra-Amiel-Gordon syndrome. Last evaluated: 2022-09-01. Review status: criteria provided, single submitter. Criteria: ACMG Guidelines, 2015. Collection method: clinical testing. Allele origin: germline. Affected: yes. Observed: 1 heterozygote.
Comment: Ths missense variant is not observed in the gnomAD v2.1.1 dataset. In silico tool predictions suggest damaging effect of the variant on gene or gene product (REVEL: 0.82; 3Cnet: 0.68). Therefore, this variant is classified as uncertain significance according to the recommendation of ACMG/AMP guideline.

NM_032217.5(ANKRD17):c.3788G>C (p.Gly1263Ala)

Gene: ANKRD17 (ankyrin repeat domain 17; minus strand). Cytogenetic location: 4q13.3.
Variant type: single nucleotide variant.
Coding change: c.3788G>C on transcript NM_032217.5 (MANE Select); coding-DNA position 3788, G replaced by C.
Protein change: p.Gly1263Ala; replaces glycine 1263 with alanine.
Molecular consequence: missense variant.
Genome position (GRCh38, 1-based): chr4:73,120,942, C>G on the plus strand (G>C on the coding strand, the complement: ANKRD17 is on the minus strand). VCF-style: chr4-73120942-C-G. GRCh37 (hg19) VCF-style: chr4-73986659-C-G.
Other names: c.3449G>C, p.Gly1150Ala (NM_001286771.3); c.3785G>C, p.Gly1262Ala (NM_015574.2); c.3035G>C, p.Gly1012Ala (NM_198889.3); short protein forms G1012A, G1150A, G1262A, G1263A.
Identifiers: ClinVar variation 1705293 (VCV001705293.1), dbSNP rs2530633900, ClinGen allele CA357214286.